The following is an entry in ClinVar:

NM_001042492.3(NF1):c.6251_6257del (p.Arg2083_Tyr2084insTer)

Gene: NF1 (neurofibromin 1; plus strand). Cytogenetic location: 17q11.2.
Variant type: Deletion.
Coding change: c.6251_6257del on transcript NM_001042492.3 (MANE Select); coding-DNA positions 6251 to 6257, 7 bases deleted (ACATGCT; older notation c.6251_6257delACATGCT).
Protein change: p.Arg2083_Tyr2084insTer.
Molecular consequence: nonsense. On other transcripts: frameshift variant (1).
Genome position (GRCh38, 1-based): chr17:31,336,738-31,336,744, ACATGCT deleted; deleting any 7 consecutive bases within chr17:31,336,735-31,336,744 gives the same sequence; the c. name uses the placement nearest the transcript's 3' end. VCF-style (leftmost placement, unchanged base first): chr17-31336734-CGCTACAT-C. GRCh37 (hg19) VCF-style: chr17-29663752-CGCTACAT-C.
Other names: c.6188_6194delACATGCT, p.Tyr2063Terfs (NM_000267.4).
Identifiers: ClinVar variation 1070927 (VCV001070927.5), dbSNP rs2151554602, ClinGen allele CA2499224187.

ClinVar aggregate classification (germline): Pathogenic (1 of 4 stars; one submission).

Conditions:
Neurofibromatosis, type 1 (NF1). Also called: VON RECKLINGHAUSEN DISEASE; Peripheral type neurofibromatosis; NEUROFIBROMATOSIS, TYPE I, SOMATIC; Neurofibromatosis, type I. Identifiers: Orphanet 636, MedGen C0027831, MONDO:0018975, OMIM 162200. Disease mechanism: loss of function.

Submission:

Labcorp Genetics (formerly Invitae), Labcorp
Classification: Pathogenic for Neurofibromatosis, type 1. Last evaluated: 2020-02-13. Review status: criteria provided, single submitter. Criteria: Invitae Variant Classification Sherloc (09022015). Collection method: clinical testing. Allele origin: germline.
Comment: This sequence change creates a premature translational stop signal (p.Tyr2063*) in the NF1 gene. It is expected to result in an absent or disrupted protein product. This variant is not present in population databases (ExAC no frequency). This variant has not been reported in the literature in individuals with NF1-related conditions. Loss-of-function variants in NF1 are known to be pathogenic (PMID: 10712197, 23913538). For these reasons, this variant has been classified as Pathogenic.

Literature cited by the submitters: PubMed 10712197; PubMed 23913538.